The following is an entry in ClinVar:

ClinVar aggregate classification (germline): Uncertain significance. Review status: criteria provided, multiple submitters, no conflicts (2 of 4 stars). 2 submissions from 2 submitters: Uncertain significance (2). Last evaluated 2024-09-25.

Conditions:
Distal hereditary motor neuropathy type 2. Identifiers: Orphanet 139525, MedGen C3711384, MeSH C580044, MONDO:0015352.

Submissions (2):

GeneDx
Classification: Uncertain significance. Last evaluated: 2024-09-25. Review status: criteria provided, single submitter. Criteria: GeneDx Variant Classification Process June 2021. Collection method: clinical testing. Allele origin: germline. Affected: yes.
Comment: Not observed at significant frequency in large population cohorts (gnomAD); In silico analysis indicates that this missense variant does not alter protein structure/function; Has not been previously published as pathogenic or benign to our knowledge

Labcorp Genetics (formerly Invitae), Labcorp
Classification: Uncertain significance for Distal hereditary motor neuropathy type 2. Last evaluated: 2024-01-16. Review status: criteria provided, single submitter. Criteria: Invitae Variant Classification Sherloc (09022015). Collection method: clinical testing. Allele origin: germline.
Comment: This sequence change replaces serine, which is neutral and polar, with proline, which is neutral and non-polar, at codon 722 of the FBXO38 protein (p.Ser722Pro). This variant is not present in population databases (gnomAD no frequency). This variant has not been reported in the literature in individuals affected with FBXO38-related conditions. Advanced modeling of protein sequence and biophysical properties (such as structural, functional, and spatial information, amino acid conservation, physicochemical variation, residue mobility, and thermodynamic stability) performed at Invitae indicates that this missense variant is not expected to disrupt FBXO38 protein function with a negative predictive value of 80%. In summary, the available evidence is currently insufficient to determine the role of this variant in disease. Therefore, it has been classified as a Variant of Uncertain Significance.

NM_205836.3(FBXO38):c.2164T>C (p.Ser722Pro)

Gene: FBXO38 (F-box protein 38; plus strand). Cytogenetic location: 5q32.
Variant type: single nucleotide variant.
Coding change: c.2164T>C on transcript NM_205836.3 (MANE Select); coding-DNA position 2164, T replaced by C.
Protein change: p.Ser722Pro; replaces serine 722 with proline.
Molecular consequence: missense variant. On other transcripts: intron variant (1).
Genome position (GRCh38, 1-based): chr5:148,427,458, T>C. VCF-style: chr5-148427458-T-C. GRCh37 (hg19) VCF-style: chr5-147807021-T-C.
Other names: c.2164T>C, p.Ser722Pro (NM_030793.5); c.1918+1757T>C (NM_001271723.2); c.2164T>C (NM_030793.4); short protein forms S722P.
Identifiers: ClinVar variation 3004202 (VCV003004202.4), dbSNP rs1168710534, ClinGen allele CA361657058.
Genomic context (GRCh38, chr5:148,427,458, plus strand): 5'-CCCAGCTGCAGCAGCACCACCGCCAGCACAGTGGGAAACTCCAGCTCACACAACACTGCT[T>C]CTCAAAGCCCCGACTTTGTAAGGACGGTGAACAGCGGCGGCTCTTCCGAGCCTAGCCCTA-3'
Protein context (NP_995308.1, residues 712-732): VGNSSSHNTA[Ser722Pro]QSPDFVRTVN